The following is an entry in ClinVar:

NM_006904.7(PRKDC):c.3574T>C (p.Tyr1192His)

Gene: PRKDC (protein kinase, DNA-activated, catalytic subunit; minus strand). Cytogenetic location: 8q11.21.
Variant type: single nucleotide variant.
Coding change: c.3574T>C on transcript NM_006904.7 (MANE Select); coding-DNA position 3574, T replaced by C.
Protein change: p.Tyr1192His; replaces tyrosine 1192 with histidine.
Molecular consequence: missense variant.
Genome position (GRCh38, 1-based): chr8:47,897,185, A>G on the plus strand (T>C on the coding strand, the complement: PRKDC is on the minus strand). VCF-style: chr8-47897185-A-G. GRCh37 (hg19) VCF-style: chr8-48809745-A-G.
Other names: c.3574T>C, p.Tyr1192His (NM_001081640.2); short protein forms Y1192H.
Identifiers: ClinVar variation 581234 (VCV000581234.7), dbSNP rs370182783, ClinGen allele CA4741143.

ClinVar aggregate classification (germline): Uncertain significance. Review status: criteria provided, multiple submitters, no conflicts (2 of 4 stars). 2 submissions from 2 submitters: Uncertain significance (2). Last evaluated 2022-10-19.

Conditions:
Severe combined immunodeficiency due to DNA-PKcs deficiency. Also called: IMMUNODEFICIENCY 26 WITH NEUROLOGIC ABNORMALITIES; Immunodeficiency 26 with or without neurologic abnormalities. Identifiers: Orphanet 317425, MedGen C4014833, MONDO:0014423, OMIM 615966.

Allele frequency attached by ClinVar (database versions not stated): gnomAD exomes below 0.00001; ExAC 0.00001; gnomAD 0.00001; TOPMed 0.00001; ESP Exome Variant Server 0.00008.
gnomAD v4.1: 8 of 1,602,470 alleles (0.0005%); highest among the groups gnomAD compares: Non-Finnish European, 0.00068%; no homozygotes.

Submissions (2):

Ambry Genetics
Classification: Uncertain significance. Last evaluated: 2022-10-19. Review status: criteria provided, single submitter. Criteria: Ambry Variant Classification Scheme 2023. Collection method: clinical testing. Allele origin: germline.
Comment: The p.Y1192H variant (also known as c.3574T>C), located in coding exon 30 of the PRKDC gene, results from a T to C substitution at nucleotide position 3574. The tyrosine at codon 1192 is replaced by histidine, an amino acid with similar properties. This amino acid position is conserved. In addition, the in silico prediction for this alteration is inconclusive. Since supporting evidence is limited at this time, the clinical significance of this alteration remains unclear.

Labcorp Genetics (formerly Invitae), Labcorp
Classification: Uncertain significance for Severe combined immunodeficiency due to DNA-PKcs deficiency. Last evaluated: 2018-06-20. Review status: criteria provided, single submitter. Criteria: Invitae Variant Classification Sherloc (09022015). Collection method: clinical testing. Allele origin: germline.
Comment: This sequence change replaces tyrosine with histidine at codon 1192 of the PRKDC protein (p.Tyr1192His). The tyrosine residue is moderately conserved and there is a moderate physicochemical difference between tyrosine and histidine. This variant is present in population databases (rs370182783, ExAC 0.001%). In summary, the available evidence is currently insufficient to determine the role of this variant in disease. Therefore, it has been classified as a Variant of Uncertain Significance. Algorithms developed to predict the effect of missense changes on protein structure and function are either unavailable or do not agree on the potential impact of this missense change (SIFT: "Deleterious"; PolyPhen-2: "Not Available"; Align-GVGD: "Class C0"). This variant has not been reported in the literature in individuals with PRKDC-related disease.